The following is an entry in ClinVar:

ClinVar aggregate classification (germline): Pathogenic/Likely pathogenic. Review status: criteria provided, multiple submitters, no conflicts (2 of 4 stars). 5 submissions from 5 submitters: Pathogenic (3); Likely pathogenic (1). 1 of the submissions does not count toward it. Last evaluated 2026-03-31.
ClinVar aggregate classification (oncogenicity): Uncertain significance (1 of 4 stars; one submission).

Conditions:
Rubinstein-Taybi syndrome (RSTS). Identifiers: Orphanet 783, MedGen C0035934, MONDO:0019188.
Rubinstein-Taybi syndrome due to CREBBP mutations (RSTS1). Also called: Rubinstein-Taybi syndrome 1; BROAD THUMBS AND GREAT TOES, CHARACTERISTIC FACIES, AND IMPAIRED INTELLECTUAL DEVELOPMENT; CREBBP-Related Rubinstein-Taybi Syndrome; RUBINSTEIN-TAYBI SYNDROME 1, INCOMPLETE; RUBINSTEIN SYNDROME; BROAD THUMB-HALLUX SYNDROME. Identifiers: Orphanet 353277, Orphanet 783, MedGen C4551859, MONDO:0008393, OMIM 180849.
Neoplasm. Also called: tumor; Neoplasms; Neoplasm (disease). Identifiers: MedGen C0027651, MeSH D009369, MONDO:0005070, HP:0002664.

Submissions (6):

Center for Genomic Medicine, Rigshospitalet, Copenhagen University Hospital
Classification: Uncertain significance for Neoplasm. Last evaluated: 2026-10-16. Review status: criteria provided, single submitter. Criteria: ClinGen/CGC/VICC Guidelines for Oncogenicity, 2022. Collection method: clinical testing. Allele origin: somatic. Affected: yes.

GeneDx
Classification: Pathogenic. Last evaluated: 2026-03-31. Review status: criteria provided, single submitter. Criteria: GeneDx Variant Classification Process June 2021. Collection method: clinical testing. Allele origin: germline.
Comment: Frameshift variant predicted to result in abnormal protein length as the last 497 amino acid(s) are replaced with 29 different amino acid(s), and other similar variants have been reported in HGMD; This variant is associated with the following publications: (PMID: 8616895, 31637876, 25388907, 30586318)

Labcorp Genetics (formerly Invitae), Labcorp
Classification: Pathogenic for Rubinstein-Taybi syndrome. Last evaluated: 2024-05-22. Review status: criteria provided, single submitter. Criteria: Invitae Variant Classification Sherloc (09022015). Collection method: clinical testing. Allele origin: germline.
Comment: This sequence change creates a premature translational stop signal (p.Pro1946Hisfs*30) in the CREBBP gene. While this is not anticipated to result in nonsense mediated decay, it is expected to disrupt the last 497 amino acid(s) of the CREBBP protein. The frequency data for this variant in the population databases is considered unreliable, as metrics indicate poor data quality at this position in the gnomAD database. This premature translational stop signal has been observed in individual(s) with clinical features of CREBBP-related conditions and/or Rubinstein-Taybi syndrome (PMID: 25388907, 30586318, 31637876; Invitae). ClinVar contains an entry for this variant (Variation ID: 158391). This variant disrupts a region of the CREBBP protein in which other variant(s) (p.Arg2004*) have been determined to be pathogenic (PMID: 15706485, 21932317). This suggests that this is a clinically significant region of the protein, and that variants that disrupt it are likely to be disease-causing. For these reasons, this variant has been classified as Pathogenic.

Greenwood Genetic Center Diagnostic Laboratories, Greenwood Genetic Center
Classification: Likely pathogenic. Last evaluated: 2020-12-28. Review status: criteria provided, single submitter. Criteria: ACMG Guidelines, 2015. Collection method: clinical testing. Allele origin: germline. Affected: yes.
Comment: PVS1, PS4_Moderate

Genetic Services Laboratory, University of Chicago
Classification: Pathogenic for Rubinstein-Taybi syndrome. Last evaluated: 2013-02-08. Review status: criteria provided, single submitter. Criteria: ACMG Guidelines, 2007. Collection method: clinical testing. Allele origin: germline. Inheritance: Autosomal dominant inheritance. Affected: yes.

Gharavi Laboratory, Columbia University
Classification: Likely pathogenic. Last evaluated: 2018-09-16. Review status: no assertion criteria provided. Criteria: ACMG Guidelines, 2015. Collection method: research. Allele origin: germline. Affected: yes. Not counted in ClinVar's aggregate classification.

Literature cited by the submitters: PubMed 25388907 (cited by Center for Genomic Medicine, Rigshospitalet, Copenhagen University Hospital and Labcorp Genetics (formerly Invitae), Labcorp); PubMed 30586318 (cited by Labcorp Genetics (formerly Invitae), Labcorp); PubMed 31637876 (cited by Labcorp Genetics (formerly Invitae), Labcorp); PubMed 15706485 (cited by Labcorp Genetics (formerly Invitae), Labcorp); PubMed 21932317 (cited by Labcorp Genetics (formerly Invitae), Labcorp).

NM_004380.3(CREBBP):c.5837del (p.Pro1946fs)

Gene: CREBBP (CREB binding lysine acetyltransferase; minus strand). Cytogenetic location: 16p13.3.
Variant type: Deletion.
Coding change: c.5837del on transcript NM_004380.3 (MANE Select); coding-DNA position 5837, one base deleted (C; older notation c.5837delC).
Protein change: p.Pro1946fs; shifts the reading frame from proline 1946.
Molecular consequence: frameshift variant.
Genome position (GRCh38, 1-based): chr16:3,729,210, G deleted on the plus strand (C on the coding strand, the reverse complement: CREBBP is on the minus strand); the first of 7 consecutive G bases (chr16:3,729,210-3,729,216); deleting any one gives the same sequence. VCF-style (leftmost placement, unchanged base first): chr16-3729209-TG-T. GRCh37 (hg19) VCF-style: chr16-3779210-TG-T.
Other names: c.5837delC (NM_004380.2, NM_004380.3); c.5723del, p.Pro1908fs (NM_001079846.1); short protein forms P1908fs.
Identifiers: ClinVar variation 158391 (VCV000158391.14), dbSNP rs587783507, ClinGen allele CA271432.